The following is an entry in ClinVar:

NM_001040142.2(SCN2A):c.1976dup (p.Ser661fs)

Gene: SCN2A (sodium voltage-gated channel alpha subunit 2; plus strand). Cytogenetic location: 2q24.3.
Variant type: Duplication.
Coding change: c.1976dup on transcript NM_001040142.2 (MANE Select); coding-DNA position 1976, one base duplicated (G; older notation c.1976dupG).
Protein change: p.Ser661fs; shifts the reading frame from serine 661.
Molecular consequence: frameshift variant.
Genome position (GRCh38, 1-based): chr2:165,323,460, G duplicated; the last of 5 consecutive G bases (chr2:165,323,456-165,323,460); duplicating any one gives the same sequence. VCF-style (leftmost placement, unchanged base first): chr2-165323455-C-CG. GRCh37 (hg19) VCF-style: chr2-166179965-C-CG.
Other names: c.1976dup, p.Ser661fs (NM_001040143.2, NM_001371246.1, NM_001371247.1 and 1 more transcripts); short protein forms S661fs.
Identifiers: ClinVar variation 2034003 (VCV002034003.5), dbSNP rs2467934415, ClinGen allele CA2580064242.

ClinVar aggregate classification (germline): Pathogenic. Review status: criteria provided, multiple submitters, no conflicts (2 of 4 stars). 2 submissions from 2 submitters: Pathogenic (2). Last evaluated 2024-01-22.

Conditions:
Developmental and epileptic encephalopathy, 11 (DEE11). Also called: Early infantile epileptic encephalopathy 11. Identifiers: Orphanet 1934, MedGen C3150987, MONDO:0013388, OMIM 613721.
Seizures, benign familial infantile, 3 (BFIS3). Also called: CONVULSIONS, BENIGN FAMILIAL INFANTILE, 3; Familial neonatal seizures. Identifiers: Orphanet 140927, Orphanet 306, MedGen C1843140, MONDO:0011904, OMIM 607745.
SCN2A-related disorder. Also called: SCN2A-related condition; SCN2A-related disorders. Identifiers: MedGen CN382226, MONDO:1060245.

Submissions (2):

Greenwood Genetic Center Diagnostic Laboratories, Greenwood Genetic Center
Classification: Pathogenic for SCN2A-related disorder. Last evaluated: 2024-01-22. Review status: criteria provided, single submitter. Criteria: ACMG Guidelines, 2015. Collection method: clinical testing. Allele origin: germline. Affected: yes.
Comment: PVS1, PS2, PM2

Labcorp Genetics (formerly Invitae), Labcorp
Classification: Pathogenic for Seizures, benign familial infantile, 3; Developmental and epileptic encephalopathy, 11. Last evaluated: 2022-10-04. Review status: criteria provided, single submitter. Criteria: Invitae Variant Classification Sherloc (09022015). Collection method: clinical testing. Allele origin: germline.
Comment: This variant is not present in population databases (gnomAD no frequency). This sequence change creates a premature translational stop signal (p.Ser661Phefs*17) in the SCN2A gene. It is expected to result in an absent or disrupted protein product. Loss-of-function variants in SCN2A are known to be pathogenic (PMID: 28379373). This variant has not been reported in the literature in individuals affected with SCN2A-related conditions. For these reasons, this variant has been classified as Pathogenic.

Literature cited by the submitters: PubMed 28379373 (cited by Labcorp Genetics (formerly Invitae), Labcorp).